The following is an entry in ClinVar:

NM_152309.3(PIK3AP1):c.854A>G (p.Gln285Arg)

Gene: PIK3AP1 (phosphoinositide-3-kinase adaptor protein 1; minus strand). Cytogenetic location: 10q24.1.
Variant type: single nucleotide variant.
Coding change: c.854A>G on transcript NM_152309.3 (MANE Select); coding-DNA position 854, A replaced by G.
Protein change: p.Gln285Arg; replaces glutamine 285 with arginine.
Molecular consequence: missense variant.
Genome position (GRCh38, 1-based): chr10:96,651,510, T>C on the plus strand (A>G on the coding strand, the complement: PIK3AP1 is on the minus strand). VCF-style: chr10-96651510-T-C. GRCh37 (hg19) VCF-style: chr10-98411267-T-C.
Other names: short protein forms Q285R.
Identifiers: ClinVar variation 541744 (VCV000541744.11), dbSNP rs1440323214, ClinGen allele CA377746799.
Genomic context (GRCh38, chr10:96,651,510, plus strand): 5'-TAAGCCATGAGCAGAAATTACATGCCCAGAAATCTCAGGTTTCCTTGTAATATCCTTACC[T>C]GACACATGAATTCCACAGGATTCGCGGCATTGGACAATAAATTCCCAATTTCTTCCATGT-3'
Protein context (NP_689522.2, residues 275-295): NAANPVEFMC[Gln285Arg]AFKIVPYNTE

ClinVar aggregate classification (germline): Uncertain significance (1 of 4 stars; one submission).

Conditions:
Infantile spasms. Also called: Infantile spasm. Identifiers: MedGen C3887898, HP:0012469.

Allele frequency attached by ClinVar (database versions not stated): gnomAD exomes 0.00001 and below 0.00001; TOPMed 0.00001.
gnomAD v4.1: 4 of 1,614,232 alleles (0.00025%); highest among the groups gnomAD compares: Admixed American, 0.0017%; no homozygotes.

Submission:

Labcorp Genetics (formerly Invitae), Labcorp
Classification: Uncertain significance for Infantile spasms. Last evaluated: 2020-02-22. Review status: criteria provided, single submitter. Criteria: Invitae Variant Classification Sherloc (09022015). Collection method: clinical testing. Allele origin: germline.
Comment: This variant is not present in population databases (ExAC no frequency). This sequence change replaces glutamine with arginine at codon 285 of the PIK3AP1 protein (p.Gln285Arg). The glutamine residue is highly conserved and there is a small physicochemical difference between glutamine and arginine. This variant has not been reported in the literature in individuals with PIK3AP1-related disease. ClinVar contains an entry for this variant (Variation ID: 541744). ClinVar contains an entry for this variant (Variation ID: 541744). In summary, the available evidence is currently insufficient to determine the role of this variant in disease. Therefore, it has been classified as a Variant of Uncertain Significance. Algorithms developed to predict the effect of missense changes on protein structure and function do not agree on the potential impact of this missense change (SIFT: "Tolerated"; PolyPhen-2: "Probably Damaging"; Align-GVGD: "Class C0").